The following is an entry in ClinVar:

NM_133433.4(NIPBL):c.3453G>A (p.Pro1151=)

Gene: NIPBL (NIPBL cohesin loading factor; plus strand). Cytogenetic location: 5p13.2.
Variant type: single nucleotide variant.
Coding change: c.3453G>A on transcript NM_133433.4 (MANE Select); coding-DNA position 3453, G replaced by A.
Protein change: p.Pro1151=; no amino-acid change (proline 1151 retained).
Molecular consequence: synonymous variant.
Genome position (GRCh38, 1-based): chr5:37,000,521, G>A. VCF-style: chr5-37000521-G-A. GRCh37 (hg19) VCF-style: chr5-37000623-G-A.
Other names: c.3453G>A, p.Pro1151= (NM_015384.5).
Identifiers: ClinVar variation 1984860 (VCV001984860.28), dbSNP rs150369438, ClinGen allele CA3236338.
Genomic context (GRCh38, chr5:37,000,521, plus strand): 5'-TGGCCACTCTCATGAAGGAAGAAGGAGTTCAGGTGGTGGTCGTTATCGAAACCGAAGTCC[G>A]TCAGATTCTGACATGGAAGATTATTCTCCTCCTCCCAGCCTTAGTGAGGGTAATTCATCA-3'
Protein context (NP_597677.2, residues 1141-1161): SGGGRYRNRS[Pro1151=]SDSDMEDYSP

ClinVar aggregate classification (germline): Likely benign. Review status: criteria provided, multiple submitters, no conflicts (2 of 4 stars). 2 submissions from 2 submitters: Likely benign (2). Last evaluated 2024-04-02.

Conditions:
Cornelia de Lange syndrome 1 (CDLS1). Also called: TYPUS DEGENERATIVUS AMSTELODAMENSIS; Brachmann de Lange syndrome; NIPBL-Related Cornelia de Lange Syndrome. Identifiers: Orphanet 199, MedGen C4551851, MONDO:0007387, OMIM 122470.

Allele frequency attached by ClinVar (database versions not stated): gnomAD 0.00007; TOPMed 0.00009; ESP Exome Variant Server 0.00015; 1000 Genomes Project 0.00020; 1000 Genomes Project 30x 0.00031.
gnomAD v4.1: 45 of 1,613,398 alleles (0.0028%); highest among the groups gnomAD compares: African/African-American, 0.017%; no homozygotes.

Submissions (2):

Labcorp Genetics (formerly Invitae), Labcorp
Classification: Likely benign for Cornelia de Lange syndrome 1. Last evaluated: 2024-04-02. Review status: criteria provided, single submitter. Criteria: Invitae Variant Classification Sherloc (09022015). Collection method: clinical testing. Allele origin: germline.

CeGaT Center for Human Genetics Tuebingen
Classification: Likely benign. Last evaluated: 2023-08-01. Review status: criteria provided, single submitter. Criteria: CeGaT Center For Human Genetics Tuebingen Variant Classification Criteria Version 2. Collection method: clinical testing. Allele origin: germline. Affected: yes. Observed: 1 variant allele.
Comment: NIPBL: BP4, BP7